The following is an entry in ClinVar:

NM_032482.3(DOT1L):c.4576T>C (p.Phe1526Leu)

Gene: DOT1L (DOT1 like histone lysine methyltransferase; plus strand). Cytogenetic location: 19p13.3.
Variant type: single nucleotide variant.
Coding change: c.4576T>C on transcript NM_032482.3 (MANE Select); coding-DNA position 4576, T replaced by C.
Protein change: p.Phe1526Leu; replaces phenylalanine 1526 with leucine.
Molecular consequence: missense variant.
Genome position (GRCh38, 1-based): chr19:2,227,097, T>C. VCF-style: chr19-2227097-T-C. GRCh37 (hg19) VCF-style: chr19-2227096-T-C.
Other names: c.4576T>C, p.Phe1526Leu (NM_001411141.1); short protein forms F1526L.
Identifiers: ClinVar variation 3365162 (VCV003365162.1).

ClinVar aggregate classification (germline): Uncertain significance (1 of 4 stars; one submission).

gnomAD v4.1: 8 of 1,557,310 alleles (0.00051%); highest among the groups gnomAD compares: Non-Finnish European, 0.00069%; no homozygotes.

Submission:

GeneDx
Classification: Uncertain significance. Last evaluated: 2023-12-01. Review status: criteria provided, single submitter. Criteria: GeneDx Variant Classification Process June 2021. Collection method: clinical testing. Allele origin: germline. Affected: yes.
Comment: Not observed at significant frequency in large population cohorts (gnomAD); In silico analysis supports that this missense variant has a deleterious effect on protein structure/function; Has not been previously published as pathogenic or benign to our knowledge